The following is an entry in ClinVar:

NM_000719.7(CACNA1C):c.168C>G (p.Ile56Met)

Gene: CACNA1C (calcium voltage-gated channel subunit alpha1 C; plus strand). Cytogenetic location: 12p13.33.
Variant type: single nucleotide variant.
Coding change: c.168C>G on transcript NM_000719.7 (MANE Select); coding-DNA position 168, C replaced by G.
Protein change: p.Ile56Met; replaces isoleucine 56 with methionine.
Molecular consequence: missense variant.
Genome position (GRCh38, 1-based): chr12:2,115,342, C>G. VCF-style: chr12-2115342-C-G. GRCh37 (hg19) VCF-style: chr12-2224508-C-G.
Other names: c.168C>G, p.Ile56Met (NM_001129833.2, NM_001129834.2, NM_001129835.2 and 19 more transcripts); short protein forms I56M.
Identifiers: ClinVar variation 1385157 (VCV001385157.8), dbSNP rs763760402, ClinGen allele CA383653070.

ClinVar aggregate classification (germline): Uncertain significance (1 of 4 stars; one submission).

Conditions:
Long QT syndrome (LQTS). Identifiers: MedGen C0023976, MeSH D008133, MONDO:0002442. Disease mechanism: loss of function. Inheritance: Various modes of inheritance.

gnomAD v4.1: 1 of 1,585,548 alleles (0.000063%); no homozygotes.

Submission:

Labcorp Genetics (formerly Invitae), Labcorp
Classification: Uncertain significance for Long QT syndrome. Last evaluated: 2021-04-05. Review status: criteria provided, single submitter. Criteria: Invitae Variant Classification Sherloc (09022015). Collection method: clinical testing. Allele origin: germline.
Comment: Algorithms developed to predict the effect of missense changes on protein structure and function are either unavailable or do not agree on the potential impact of this missense change (SIFT: "Tolerated"; PolyPhen-2: "Probably Damaging"; Align-GVGD: "Class C0"). In summary, the available evidence is currently insufficient to determine the role of this variant in disease. Therefore, it has been classified as a Variant of Uncertain Significance. This variant has not been reported in the literature in individuals with CACNA1C-related conditions. This variant is not present in population databases (ExAC no frequency). This sequence change replaces isoleucine with methionine at codon 56 of the CACNA1C protein (p.Ile56Met). The isoleucine residue is weakly conserved and there is a small physicochemical difference between isoleucine and methionine.